The following is an entry in ClinVar:

ClinVar aggregate classification (germline): Likely benign. Review status: criteria provided, multiple submitters, no conflicts (2 of 4 stars). 2 submissions from 2 submitters: Likely benign (2). Last evaluated 2018-06-12.

Allele frequency attached by ClinVar (database versions not stated): gnomAD exomes 0.00128; 1000 Genomes Project 0.00699; gnomAD 0.00704 and 0.00746; TOPMed 0.00793; 1000 Genomes Project 30x 0.00812.
gnomAD v4.1: 2,817 of 1,469,618 alleles (0.19%); highest among the groups gnomAD compares: African/African-American, 2.4%; 25 homozygotes.

Submissions (2):

GeneDx
Classification: Likely benign. Last evaluated: 2018-06-12. Review status: criteria provided, single submitter. Criteria: GeneDx Variant Classification (06012015). Collection method: clinical testing. Allele origin: germline. Affected: yes.
Comment: This variant is considered likely benign or benign based on one or more of the following criteria: it is a conservative change, it occurs at a poorly conserved position in the protein, it is predicted to be benign by multiple in silico algorithms, and/or has population frequency not consistent with disease.

Breakthrough Genomics
Classification: Likely benign. Review status: criteria provided, single submitter. Criteria: ACMG Guidelines, 2015. Collection method: not provided. Allele origin: germline. Inheritance: Autosomal dominant inheritance. Affected: yes.

NM_001042492.3(NF1):c.2991-97T>C

Gene: NF1 (neurofibromin 1; plus strand). Cytogenetic location: 17q11.2.
Variant type: single nucleotide variant.
Coding change: c.2991-97T>C on transcript NM_001042492.3 (MANE Select); 97 bases into the intron before coding-DNA position 2991, T replaced by C.
Molecular consequence: intron variant.
Genome position (GRCh38, 1-based): chr17:31,230,163, T>C. VCF-style: chr17-31230163-T-C. GRCh37 (hg19) VCF-style: chr17-29557181-T-C.
Other names: c.2991-97T>C (NM_000267.4).
Identifiers: ClinVar variation 561548 (VCV000561548.2), dbSNP rs17886161, ClinGen allele CA289336636.
Genomic context (GRCh38, chr17:31,230,163, plus strand): 5'-TAAGGTAGCCAGAAGTTGTGTACGTTCTTTTCTAAATAAATATCTTATTGTTTTCAAACT[T>C]ACATTTAATTCGTTTTACTTGATGACTAAAGTATTTAGAATGCCTTCTCTTTTGTCTATA-3'